The following is an entry in ClinVar:

ClinVar aggregate classification (germline): Uncertain significance. Review status: criteria provided, multiple submitters, no conflicts (2 of 4 stars). 3 submissions from 3 submitters: Uncertain significance (3). Last evaluated 2025-11-03.

Conditions:
Neuromuscular disease caused by qualitative or quantitative defects of dysferlin. Also called: Qualitative or quantitative defects of dysferlin; Dysferlinopathy. Identifiers: Orphanet 207073, MedGen C2931687, MONDO:0016145.
Inborn genetic diseases. Identifiers: MedGen C0950123, MeSH D030342.

Allele frequency attached by ClinVar (database versions not stated): gnomAD 0.00001 and 0.00002; gnomAD exomes 0.00001 and 0.00002; ExAC 0.00002; TOPMed 0.00005; ESP Exome Variant Server 0.00008.
gnomAD v4.1: 19 of 1,614,026 alleles (0.0012%); highest among the groups gnomAD compares: South Asian, 0.0066%; no homozygotes.

Submissions (3):

Ambry Genetics
Classification: Uncertain significance for Inborn genetic diseases. Last evaluated: 2025-11-03. Review status: criteria provided, single submitter. Criteria: Ambry Variant Classification Scheme 2023. Collection method: clinical testing. Allele origin: germline.

GeneDx
Classification: Uncertain significance. Last evaluated: 2025-04-21. Review status: criteria provided, single submitter. Criteria: GeneDx Variant Classification Process June 2021. Collection method: clinical testing. Allele origin: germline. Affected: yes.
Comment: Not observed at significant frequency in large population cohorts (gnomAD); In silico analysis supports that this missense variant has a deleterious effect on protein structure/function; Has not been previously published as pathogenic or benign to our knowledge; This variant is associated with the following publications: (PMID: 24438169)

Illumina Laboratory Services, Illumina
Classification: Uncertain significance for Qualitative or quantitative defects of dysferlin. Last evaluated: 2018-01-13. Review status: criteria provided, single submitter. Criteria: ICSL Variant Classification Criteria 13 December 2019. Collection method: clinical testing. Allele origin: germline.

NM_001130987.2(DYSF):c.5402C>T (p.Pro1801Leu)

Gene: DYSF (dysferlin; plus strand). Cytogenetic location: 2p13.2.
Variant type: single nucleotide variant.
Coding change: c.5402C>T on transcript NM_001130987.2 (MANE Select); coding-DNA position 5402, C replaced by T.
Protein change: p.Pro1801Leu; replaces proline 1801 with leucine.
Molecular consequence: missense variant.
Genome position (GRCh38, 1-based): chr2:71,667,460, C>T. VCF-style: chr2-71667460-C-T. GRCh37 (hg19) VCF-style: chr2-71894590-C-T.
Other names: c.5288C>T, p.Pro1763Leu (NM_001130455.2); c.5243C>T, p.Pro1748Leu (NM_001130976.2); c.5306C>T, p.Pro1769Leu (NM_001130977.2); c.5348C>T, p.Pro1783Leu (NM_001130978.2); c.5378C>T, p.Pro1793Leu (NM_001130979.2); c.5336C>T, p.Pro1779Leu (NM_001130980.2); c.5399C>T, p.Pro1800Leu (NM_001130981.2); c.5381C>T, p.Pro1794Leu (NM_001130982.2); and 5 more; short protein forms P1748L, P1763L, P1794L, P1749L, P1762L, P1770L, P1779L, P1769L.
Identifiers: ClinVar variation 897607 (VCV000897607.7), dbSNP rs371189093, ClinGen allele CA1707350.